The following is an entry in ClinVar:

NM_001035.3(RYR2):c.12663C>G (p.Ser4221Arg)

Genes: RYR2 (ryanodine receptor 2; plus strand), LOC126806068 (BRD4-independent group 4 enhancer GRCh37_chr1:237947411-237948610; plus strand). Cytogenetic location: 1q43.
Variant type: single nucleotide variant.
Coding change: c.12663C>G on transcript NM_001035.3 (MANE Select); coding-DNA position 12663, C replaced by G.
Protein change: p.Ser4221Arg; replaces serine 4221 with arginine.
Molecular consequence: missense variant.
Genome position (GRCh38, 1-based): chr1:237,784,375, C>G. VCF-style: chr1-237784375-C-G. GRCh37 (hg19) VCF-style: chr1-237947675-C-G.
Other names: short protein forms S4221R.
Identifiers: ClinVar variation 1332235 (VCV001332235.3), dbSNP rs370297602, ClinGen allele CA085211.

ClinVar aggregate classification (germline): Uncertain significance (1 of 4 stars; one submission).

Conditions:
Cardiomyopathy (CMYO). Also called: Cardiomyopathies. Identifiers: Orphanet 167848, MedGen C0878544, MONDO:0004994, HP:0001638. Inheritance: Various modes of inheritance.

gnomAD v4.1: 14 of 1,613,800 alleles (0.00087%); highest among the groups gnomAD compares: South Asian, 0.014%; 1 homozygote.

Submission:

Color Diagnostics, LLC DBA Color Health
Classification: Uncertain significance for Cardiomyopathy. Last evaluated: 2024-03-06. Review status: criteria provided, single submitter. Criteria: ACMG Guidelines, 2015. Collection method: clinical testing. Allele origin: germline.
Comment: This missense variant replaces serine with arginine at codon 4221 of the RYR2 protein. Computational prediction suggests that this variant may not impact protein structure and function (internally defined REVEL score threshold <= 0.5, PMID: 27666373). To our knowledge, functional studies have not been reported for this variant. This variant has not been reported in individuals affected with cardiovascular disorders in the literature. This variant has been identified in 3/248568 chromosomes in the general population by the Genome Aggregation Database (gnomAD). The available evidence is insufficient to determine the role of this variant in disease conclusively. Therefore, this variant is classified as a Variant of Uncertain Significance.